The following is an entry in ClinVar:

NM_005378.6(MYCN):c.674T>C (p.Ile225Thr)

Gene: MYCN (MYCN proto-oncogene, bHLH transcription factor; plus strand). Cytogenetic location: 2p24.3.
Variant type: single nucleotide variant.
Coding change: c.674T>C on transcript NM_005378.6 (MANE Select); coding-DNA position 674, T replaced by C.
Protein change: p.Ile225Thr; replaces isoleucine 225 with threonine.
Molecular consequence: missense variant. On other transcripts: 3 prime UTR variant (1), intron variant (1).
Genome position (GRCh38, 1-based): chr2:15,942,738, T>C. VCF-style: chr2-15942738-T-C. GRCh37 (hg19) VCF-style: chr2-16082860-T-C.
Other names: c.674T>C, p.Ile225Thr (NM_001293228.2); c.*609T>C (NM_001293233.2); c.157+1995T>C (NM_001293231.2); short protein forms I225T.
Identifiers: ClinVar variation 4832937 (VCV004832937.1).

ClinVar aggregate classification (germline): Uncertain significance (1 of 4 stars; one submission).

Conditions:
Inborn genetic diseases. Identifiers: MedGen C0950123, MeSH D030342.

gnomAD v4.1: 7 of 1,337,196 alleles (0.00052%); highest among the groups gnomAD compares: African/African-American, 0.0091%; no homozygotes.

Submission:

Ambry Genetics
Classification: Uncertain significance for Inborn genetic diseases. Last evaluated: 2026-01-14. Review status: criteria provided, single submitter. Criteria: Ambry Variant Classification Scheme 2023. Collection method: clinical testing. Allele origin: germline.
Comment: The c.674T>C (p.I225T) alteration is located in exon 2 (coding exon 1) of the MYCN gene. This alteration results from a T to C substitution at nucleotide position 674, causing the isoleucine (I) at amino acid position 225 to be replaced by a threonine (T). Based on data from gnomAD, the C allele has an overall frequency of 0.003% (1/29580) total alleles studied. The highest observed frequency was 0.012% (1/8452) of African alleles. Based on insufficient or conflicting evidence, the clinical significance of this alteration remains unclear.